The following is an entry in ClinVar:

NM_012203.2(GRHPR):c.-3C>T

Gene: GRHPR (glyoxylate and hydroxypyruvate reductase; plus strand). Cytogenetic location: 9p13.2.
Variant type: single nucleotide variant.
Coding change: c.-3C>T on transcript NM_012203.2 (MANE Select); 3 bases upstream of the start codon, C replaced by T.
Molecular consequence: 5 prime UTR variant.
Genome position (GRCh38, 1-based): chr9:37,422,748, C>T. VCF-style: chr9-37422748-C-T. GRCh37 (hg19) VCF-style: chr9-37422745-C-T.
Identifiers: ClinVar variation 3049815 (VCV003049815.2), dbSNP rs200847843, ClinGen allele CA5058884.

ClinVar aggregate classification (germline): Likely benign (0 of 4 stars; one submission).

Conditions:
GRHPR-related disorder. Also called: GRHPR-related condition.

Allele frequency attached by ClinVar (database versions not stated): ExAC 0.00003; gnomAD 0.00003; 1000 Genomes Project 30x 0.00016; 1000 Genomes Project 0.00020.
gnomAD v4.1: 167 of 1,578,562 alleles (0.011%); highest among the groups gnomAD compares: Non-Finnish European, 0.013%; no homozygotes.

Submission:

PreventionGenetics, part of Exact Sciences
Classification: Likely benign for GRHPR-related condition. Last evaluated: 2019-07-16. Review status: no assertion criteria provided. Collection method: clinical testing. Allele origin: germline.
Comment: This variant is classified as likely benign based on ACMG/AMP sequence variant interpretation guidelines (Richards et al. 2015 PMID: 25741868, with internal and published modifications).